The following is an entry in ClinVar:

NM_020822.3(KCNT1):c.3178-17_3180dup

Gene: KCNT1 (potassium sodium-activated channel subfamily T member 1; plus strand). Cytogenetic location: 9q34.3.
Variant type: Duplication.
Coding change: c.3178-17_3180dup on transcript NM_020822.3 (MANE Select); 17 bases into the intron before coding-DNA position 3178 through coding-DNA position 3180, 20 bases duplicated (TGCCCTGCCCTGCCCAGTCC).
Molecular consequence: splice acceptor variant.
Genome position (GRCh38, 1-based): chr9:135,786,180-135,786,199, TGCCCTGCCCTGCCCAGTCC duplicated; duplicating any 20 consecutive bases within chr9:135,786,178-135,786,199 gives the same sequence; the c. name uses the placement nearest the transcript's 3' end. VCF-style (leftmost placement, unchanged base first): chr9-135786177-C-CCCTGCCCTGCCCTGCCCAGT. GRCh37 (hg19) VCF-style: chr9-138678023-C-CCCTGCCCTGCCCTGCCCAGT.
Other names: c.3043-17_3045dup (NM_001272003.2).
Identifiers: ClinVar variation 3755264 (VCV003755264.2).

ClinVar aggregate classification (germline): Uncertain significance (1 of 4 stars; one submission).

Conditions:
Autosomal dominant nocturnal frontal lobe epilepsy 5. Also called: KCNT1-Related Epilepsy; CILIARY DYSKINESIA, PRIMARY, 28, WITHOUT SITUS INVERSUS; CILIARY DYSKINESIA, PRIMARY, 28, WITH SITUS INVERSUS; Epilepsy, nocturnal frontal lobe, 5. Identifiers: Orphanet 98784, MedGen C3554306, MONDO:0014002, OMIM 615005.
Developmental and epileptic encephalopathy, 14 (DEE14). Also called: Early infantile epileptic encephalopathy 14. Identifiers: Orphanet 293181, MedGen C3554195, MONDO:0013989, OMIM 614959.

Submission:

Labcorp Genetics (formerly Invitae), Labcorp
Classification: Uncertain significance for Autosomal dominant nocturnal frontal lobe epilepsy 5; Developmental and epileptic encephalopathy, 14. Last evaluated: 2024-03-13. Review status: criteria provided, single submitter. Criteria: Invitae Variant Classification Sherloc (09022015). Collection method: clinical testing. Allele origin: germline.
Comment: This sequence change falls in intron 28 of the KCNT1 gene. It does not directly change the encoded amino acid sequence of the KCNT1 protein. This variant is not present in population databases (gnomAD no frequency). This variant has not been reported in the literature in individuals affected with KCNT1-related conditions. This variant is also known as p.Gln1061Cysfs*11. Experimental studies and prediction algorithms are not available or were not evaluated, and the effect of this variant on mRNA splicing is currently unknown. In summary, the available evidence is currently insufficient to determine the role of this variant in disease. Therefore, it has been classified as a Variant of Uncertain Significance.